The following is an entry in ClinVar:

NM_000152.5(GAA):c.1585T>G (p.Ser529Ala)

Gene: GAA (alpha glucosidase; plus strand). Cytogenetic location: 17q25.3.
Variant type: single nucleotide variant.
Coding change: c.1585T>G on transcript NM_000152.5 (MANE Select); coding-DNA position 1585, T replaced by G.
Protein change: p.Ser529Ala; replaces serine 529 with alanine.
Molecular consequence: missense variant.
Genome position (GRCh38, 1-based): chr17:80,110,974, T>G. VCF-style: chr17-80110974-T-G. GRCh37 (hg19) VCF-style: chr17-78084773-T-G.
Other names: c.1585T>G, p.Ser529Ala (NM_001079803.3, NM_001079804.3); short protein forms S529A.
Identifiers: ClinVar variation 1504777 (VCV001504777.6), dbSNP rs1598582021, ClinGen allele CA401367255.
Genomic context (GRCh38, chr17:80,110,974, plus strand): 5'-CACCTACCAGCAGCGCTTCTCTTGCAGGACATGAACGAGCCTTCCAACTTCATCAGGGGC[T>G]CTGAGGACGGCTGCCCCAACAATGAGCTGGAGAACCCACCCTACGTGCCTGGTCAGCTCG-3'
Protein context (NP_000143.2, residues 519-539): MNEPSNFIRG[Ser529Ala]EDGCPNNELE

ClinVar aggregate classification (germline): Likely pathogenic (1 of 4 stars; one submission).

Conditions:
Glycogen storage disease, type II (IOPD). Also called: Glucosidase acid-1,4-alpha deficiency; Pompe Disease; GLYCOGENOSIS, GENERALIZED, CARDIAC FORM; GSD II; POMPE DISEASE, INFANTILE-ONSET; GLYCOGEN STORAGE DISEASE II, INFANTILE-ONSET. Identifiers: Orphanet 365, MedGen C0017921, MONDO:0009290, OMIM 232300.

Allele frequency attached by ClinVar (database versions not stated): gnomAD 0.00001.
gnomAD v4.1: 1 of 1,613,746 alleles (0.000062%); highest among the groups gnomAD compares: Non-Finnish European, 0.000085%; no homozygotes.

Submission:

Labcorp Genetics (formerly Invitae), Labcorp
Classification: Likely pathogenic for Glycogen storage disease, type II. Last evaluated: 2021-08-27. Review status: criteria provided, single submitter. Criteria: Invitae Variant Classification Sherloc (09022015). Collection method: clinical testing. Allele origin: germline.
Comment: This variant is not present in population databases (ExAC no frequency). In summary, the currently available evidence indicates that the variant is pathogenic, but additional data are needed to prove that conclusively. Therefore, this variant has been classified as Likely Pathogenic. This variant disrupts the p.Ser529 amino acid residue in GAA. Other variant(s) that disrupt this residue have been determined to be pathogenic (PMID: 8834250; Invitae). This suggests that this residue is clinically significant, and that variants that disrupt this residue are likely to be disease-causing. Advanced modeling of protein sequence and biophysical properties (such as structural, functional, and spatial information, amino acid conservation, physicochemical variation, residue mobility, and thermodynamic stability) performed at Invitae indicates that this missense variant is expected to disrupt GAA protein function. This variant has not been reported in the literature in individuals affected with GAA-related conditions. This sequence change replaces serine with alanine at codon 529 of the GAA protein (p.Ser529Ala). The serine residue is highly conserved and there is a moderate physicochemical difference between serine and alanine.

Literature cited by the submitters: PubMed 8834250.